The following is an entry in ClinVar:

ClinVar aggregate classification (germline): Pathogenic. Review status: criteria provided, multiple submitters, no conflicts (2 of 4 stars). 2 submissions from 2 submitters: Pathogenic (2). Last evaluated 2026-01-07.

Conditions:
Pheochromocytoma. Also called: MAX-Related Hereditary Paraganglioma-Pheochromocytoma Syndrome. Identifiers: Orphanet 29072, MedGen C0031511, MONDO:0008233, OMIM 171300, HP:0002666.
Pheochromocytoma/paraganglioma syndrome 4. Also called: CAROTID BODY TUMORS AND MULTIPLE EXTRAADRENAL PHEOCHROMOCYTOMAS; PARAGANGLIOMA, FAMILIAL MALIGNANT; PARAGANGLIOMAS, HEREDITARY EXTRAADRENAL; PHEOCHROMOCYTOMA, FAMILIAL EXTRAADRENAL; Paragangliomas 4; SDHB-Related Hereditary Paraganglioma-Pheochromocytoma Syndrome (Paragangliomas 4). Identifiers: Orphanet 29072, MedGen C1861848, MONDO:0007273, OMIM 115310.
Gastrointestinal stromal tumor. Also called: Gastrointestinal stromal tumor, somatic; Gastrointestinal stroma tumor. Identifiers: Orphanet 44890, MedGen C0238198, MeSH D046152, MONDO:0011719, OMIM 606764, HP:0100723.
Inherited phaeochromocytoma and paraganglioma excluding NF1.

Submissions (2):

Labcorp Genetics (formerly Invitae), Labcorp
Classification: Pathogenic for Gastrointestinal stromal tumor; Pheochromocytoma/paraganglioma syndrome 4; Pheochromocytoma. Last evaluated: 2026-01-07. Review status: criteria provided, single submitter. Criteria: Invitae Variant Classification Sherloc (09022015). Collection method: clinical testing. Allele origin: germline.
Comment: This sequence change creates a premature translational stop signal (p.Ala190Leufs*3) in the SDHB gene. It is expected to result in an absent or disrupted protein product. Loss-of-function variants in SDHB are known to be pathogenic (PMID: 19454582, 19802898). This variant is not present in population databases (gnomAD no frequency). This premature translational stop signal has been observed in individual(s) with personal and/or family history of paraganglioma-pheochromocytoma syndromes (PMID: 29386252). For these reasons, this variant has been classified as Pathogenic.

NHS Central & South Genomic Laboratory Hub
Classification: Pathogenic for Inherited phaeochromocytoma and paraganglioma excluding NF1. Last evaluated: 2025-10-21. Review status: criteria provided, single submitter. Criteria: ACMG Guidelines, 2015. Collection method: clinical testing. Allele origin: germline. Affected: yes.

Literature cited by the submitters: PubMed 19454582 (cited by Labcorp Genetics (formerly Invitae), Labcorp); PubMed 19802898 (cited by Labcorp Genetics (formerly Invitae), Labcorp); PubMed 29386252 (cited by Labcorp Genetics (formerly Invitae), Labcorp).

NM_003000.3(SDHB):c.567_568del (p.Ala190fs)

Gene: SDHB (succinate dehydrogenase complex iron sulfur subunit B; minus strand). Cytogenetic location: 1p36.13.
Variant type: Microsatellite.
Coding change: c.567_568del on transcript NM_003000.3 (MANE Select); coding-DNA positions 567 to 568, 2 bases deleted (TG; older notation c.567_568delTG).
Protein change: p.Ala190fs; shifts the reading frame from alanine 190.
Molecular consequence: frameshift variant.
Genome position (GRCh38, 1-based): chr1:17,024,047-17,024,048, CA deleted on the plus strand (TG on the coding strand, the reverse complement: SDHB is on the minus strand); deleting any 2 consecutive bases within chr1:17,024,047-17,024,050 gives the same sequence; the c. name uses the placement nearest the transcript's 3' end. VCF-style (leftmost placement, unchanged base first): chr1-17024046-GCA-G. GRCh37 (hg19) VCF-style: chr1-17350541-GCA-G.
Other names: c.513_514del, p.Ala172fs (NM_001407361.1); short protein forms A172fs, A190fs.
Identifiers: ClinVar variation 4281646 (VCV004281646.2).